The following is an entry in ClinVar:

NM_006231.4(POLE):c.2236del (p.Ile746fs)

Gene: POLE (DNA polymerase epsilon, catalytic subunit; minus strand). Cytogenetic location: 12q24.33.
Variant type: Deletion.
Coding change: c.2236del on transcript NM_006231.4 (MANE Select); coding-DNA position 2236, one base deleted (A; older notation c.2236delA).
Protein change: p.Ile746fs; shifts the reading frame from isoleucine 746.
Molecular consequence: frameshift variant.
Genome position (GRCh38, 1-based): chr12:132,667,586, T deleted on the plus strand (A on the coding strand, the reverse complement: POLE is on the minus strand). VCF-style (leftmost placement, unchanged base first): chr12-132667585-AT-A. GRCh37 (hg19) VCF-style: chr12-133244171-AT-A.
Other names: short protein forms I746fs.
Identifiers: ClinVar variation 2703869 (VCV002703869.3), dbSNP rs2542089684, ClinGen allele CA2697551639.

ClinVar aggregate classification (germline): Pathogenic (1 of 4 stars; one submission).

Submission:

Labcorp Genetics (formerly Invitae), Labcorp
Classification: Pathogenic. Last evaluated: 2023-12-18. Review status: criteria provided, single submitter. Criteria: Invitae Variant Classification Sherloc (09022015). Collection method: clinical testing. Allele origin: germline.
Comment: This sequence change creates a premature translational stop signal (p.Ile746Serfs*46) in the POLE gene. It is expected to result in an absent or disrupted protein product. Loss-of-function variants in POLE are known to be pathogenic (PMID: 23230001, 25948378, 30503519). This variant is not present in population databases (gnomAD no frequency). This variant has not been reported in the literature in individuals affected with POLE-related conditions. For these reasons, this variant has been classified as Pathogenic.

Literature cited by the submitters: PubMed 23230001; PubMed 25948378; PubMed 30503519.